The following is an entry in ClinVar:

ClinVar aggregate classification (germline): Uncertain significance (1 of 4 stars; one submission).

Submission:

Labcorp Genetics (formerly Invitae), Labcorp
Classification: Uncertain significance. Last evaluated: 2022-04-08. Review status: criteria provided, single submitter. Criteria: Invitae Variant Classification Sherloc (09022015). Collection method: clinical testing. Allele origin: germline.
Comment: This sequence change replaces cysteine, which is neutral and slightly polar, with arginine, which is basic and polar, at codon 1223 of the USH2A protein (p.Cys1223Arg). This variant is not present in population databases (gnomAD no frequency). This missense change has been observed in individual(s) with clinical features of retinitis pigmentosa (PMID: 31054281). Algorithms developed to predict the effect of missense changes on protein structure and function are either unavailable or do not agree on the potential impact of this missense change (SIFT: "Deleterious"; PolyPhen-2: "Probably Damaging"; Align-GVGD: "Class C0"). In summary, the available evidence is currently insufficient to determine the role of this variant in disease. Therefore, it has been classified as a Variant of Uncertain Significance.

Literature cited by the submitters: PubMed 31054281.

NM_206933.4(USH2A):c.3667T>C (p.Cys1223Arg)

Genes: USH2A (usherin; minus strand), USH2A-AS1 (USH2A antisense RNA 1; plus strand). Cytogenetic location: 1q41.
Variant type: single nucleotide variant.
Coding change: c.3667T>C on transcript NM_206933.4 (MANE Select); coding-DNA position 3667, T replaced by C.
Protein change: p.Cys1223Arg; replaces cysteine 1223 with arginine.
Molecular consequence: missense variant.
Genome position (GRCh38, 1-based): chr1:216,199,771, A>G on the plus strand (T>C on the coding strand, the complement: USH2A is on the minus strand). VCF-style: chr1-216199771-A-G. GRCh37 (hg19) VCF-style: chr1-216373113-A-G.
Other names: c.3667T>C, p.Cys1223Arg (NM_007123.6); short protein forms C1223R.
Identifiers: ClinVar variation 2147083 (VCV002147083.1), dbSNP rs2528045899, ClinGen allele CA344867940.
Genomic context (GRCh38, chr1:216,199,771, plus strand): 5'-GAGGGGCCTGGGCTGTGGTCACTGTAATGGGCAAGCTGTGTAAACAGCCCCCGCTAGTAC[A>G]CGCCTGTACAGAAAAATCGTACTTGGCAAATGGAACCAGATTCCAGATGGTAGCTGAGGT-3'
Protein context (NP_996816.3, residues 1213-1233): FAKYDFSVQA[Cys1223Arg]TSGGCLHSLP